The following is an entry in ClinVar:

NM_000387.6(SLC25A20):c.397C>T (p.Arg133Trp)

Gene: SLC25A20 (solute carrier family 25 member 20; minus strand). Cytogenetic location: 3p21.31.
Variant type: single nucleotide variant.
Coding change: c.397C>T on transcript NM_000387.6 (MANE Select); coding-DNA position 397, C replaced by T.
Protein change: p.Arg133Trp; replaces arginine 133 with tryptophan.
Molecular consequence: missense variant.
Genome position (GRCh38, 1-based): chr3:48,879,378, G>A on the plus strand (C>T on the coding strand, the complement: SLC25A20 is on the minus strand). VCF-style: chr3-48879378-G-A. GRCh37 (hg19) VCF-style: chr3-48916811-G-A.
Other names: short protein forms R133W.
Identifiers: ClinVar variation 932183 (VCV000932183.12), dbSNP rs748394731, ClinGen allele CA2387406.
Genomic context (GRCh38, chr3:48,879,378, plus strand): 5'-TGAAAGGAAAAAGCTATTTCCCCTCCAATCACAACCTTACCTGTAATAAGCACTTGATCC[G>A]TTCTCCAGGAGTCATGATTCCTGTGGTGAATACGCCAGATAACATCCCAGCTGCAAAAAG-3'
Protein context (NP_000378.1, residues 123-143): FTTGIMTPGE[Arg133Trp]IKCLLQIQAS

ClinVar aggregate classification (germline): Pathogenic/Likely pathogenic. Review status: criteria provided, multiple submitters, no conflicts (2 of 4 stars). 3 submissions from 3 submitters: Pathogenic (1); Likely pathogenic (1). 1 of the submissions does not count toward it. Last evaluated 2026-01-13.

Conditions:
Carnitine acylcarnitine translocase deficiency (CACTD). Identifiers: Orphanet 159, MedGen C0342791, MONDO:0008918, OMIM 212138.
SLC25A20-related disorder. Also called: SLC25A20-related condition.

Allele frequency attached by ClinVar (database versions not stated): TOPMed 0.00001; ExAC 0.00002.
gnomAD v4.1: 25 of 1,612,548 alleles (0.0016%); highest among the groups gnomAD compares: African/African-American, 0.0053%; no homozygotes.

Submissions (3):

Labcorp Genetics (formerly Invitae), Labcorp
Classification: Pathogenic for Carnitine acylcarnitine translocase deficiency. Last evaluated: 2026-01-13. Review status: criteria provided, single submitter. Criteria: Invitae Variant Classification Sherloc (09022015). Collection method: clinical testing. Allele origin: germline.
Comment: This sequence change replaces arginine, which is basic and polar, with tryptophan, which is neutral and slightly polar, at codon 133 of the SLC25A20 protein (p.Arg133Trp). This variant is present in population databases (rs748394731, gnomAD 0.004%). This missense change has been observed in individual(s) with carnitine acylcarnitine translocase deficiency (PMID: 15365988, 21605995). In at least one individual the data is consistent with being in trans (on the opposite chromosome) from a pathogenic variant. ClinVar contains an entry for this variant (Variation ID: 932183). Invitae Evidence Modeling of protein sequence and biophysical properties (such as structural, functional, and spatial information, amino acid conservation, physicochemical variation, residue mobility, and thermodynamic stability) indicates that this missense variant is expected to disrupt SLC25A20 protein function with a positive predictive value of 80%. Experimental studies have shown that this missense change affects SLC25A20 function (PMID: 15365988). For these reasons, this variant has been classified as Pathogenic.

Women's Health and Genetics/Laboratory Corporation of America, LabCorp
Classification: Likely pathogenic for Carnitine acylcarnitine translocase deficiency. Last evaluated: 2023-08-07. Review status: criteria provided, single submitter. Criteria: LabCorp Variant Classification Summary - May 2015. Collection method: clinical testing. Allele origin: germline.
Comment: Variant summary: SLC25A20 c.397C>T (p.Arg133Trp) results in a non-conservative amino acid change in the encoded protein sequence. Five of five in-silico tools predict a damaging effect of the variant on protein function. The variant allele was found at a frequency of 1.6e-05 in 251476 control chromosomes (gnomAD). c.397C>T has been reported in the literature in individuals affected with Carnitine-Acylcarnitine Translocase Deficiency (examples: Costa_2003, Iacobazzi_2004, Wang_2011). These data indicate that the variant may be associated with disease. At least one publication reports experimental evidence evaluating an impact on protein function. The most pronounced variant effect results in 10%-<30% of normal activity (Iacobazzi_2004). The following publications have been ascertained in the context of this evaluation (PMID: 12559850, 15365988, 21605995). One submitter has cited clinical-significance assessments for this variant to ClinVar after 2014 and has classified the variant as likely pathogenic. Based on the evidence outlined above, the variant was classified as likely pathogenic.

PreventionGenetics, part of Exact Sciences
Classification: Pathogenic for SLC25A20-related condition. Last evaluated: 2023-12-18. Review status: no assertion criteria provided. Collection method: clinical testing. Allele origin: germline. Not counted in ClinVar's aggregate classification.
Comment: The SLC25A20 c.397C>T variant is predicted to result in the amino acid substitution p.Arg133Trp. This variant has been reported in the compound heterozygous state in at least three individuals diagnosed with neonatal-onset carnitine-acylcarnitine translocase (CACT) deficiency (Iacobazzi et al. 2004. PubMed ID: 15365988; Wang et al. 2011. PubMed ID: 21605995). Translocase activity in patient fibroblasts was reportedly reduced to <10% of control, and in a functional assay using E. coli cells, uptake of carnitine was reduced to ~25% of control (Iacobazzi et al. 2004. PubMed ID: 15365988). This variant is reported in 0.0035% of alleles in individuals of European (Non-Finnish) descent in gnomAD. Based on these observations, this variant is interpreted as pathogenic.

Literature cited by the submitters: PubMed 15365988 (cited by Labcorp Genetics (formerly Invitae), Labcorp and Women's Health and Genetics/Laboratory Corporation of America, LabCorp); PubMed 21605995 (cited by Labcorp Genetics (formerly Invitae), Labcorp and Women's Health and Genetics/Laboratory Corporation of America, LabCorp); PubMed 12559850 (cited by Women's Health and Genetics/Laboratory Corporation of America, LabCorp).